The following is an entry in ClinVar:

ClinVar aggregate classification (germline): Uncertain significance. Review status: criteria provided, multiple submitters, no conflicts (2 of 4 stars). 2 submissions from 2 submitters: Uncertain significance (2). Last evaluated 2025-06-23.

Conditions:
TTN-related disorder. Also called: TTN-related condition; TTN-related disease; TTN-related disorders.

gnomAD v4.1: 3 of 1,613,656 alleles (0.00019%); highest among the groups gnomAD compares: Non-Finnish European, 0.00017%; no homozygotes.

Submissions (2):

Women's Health and Genetics/Laboratory Corporation of America, LabCorp
Classification: Uncertain significance. Last evaluated: 2025-06-23. Review status: criteria provided, single submitter. Criteria: LabCorp Variant Classification Summary - May 2015. Collection method: clinical testing. Allele origin: germline.

PreventionGenetics, part of Exact Sciences
Classification: Uncertain significance for TTN-related condition. Last evaluated: 2025-06-09. Review status: criteria provided, single submitter. Criteria: ACMG Guidelines, 2015. Collection method: clinical testing. Allele origin: germline.
Comment: The TTN c.23512G>A variant is predicted to result in the amino acid substitution p.Glu7838Lys. To our knowledge, this variant has not been reported in the literature. This variant is reported in 0.00089% of alleles in individuals of European (Non-Finnish) descent in gnomAD. At this time, the clinical significance of this variant is uncertain due to the absence of conclusive functional and genetic evidence.

NM_001267550.2(TTN):c.23512G>A (p.Glu7838Lys)

Gene: TTN (titin; minus strand). Cytogenetic location: 2q31.2.
Variant type: single nucleotide variant.
Coding change: c.23512G>A on transcript NM_001267550.2 (MANE Select); coding-DNA position 23512, G replaced by A.
Protein change: p.Glu7838Lys; replaces glutamic acid 7838 with lysine.
Molecular consequence: missense variant. On other transcripts: intron variant (3).
Genome position (GRCh38, 1-based): chr2:178,720,130, C>T on the plus strand (G>A on the coding strand, the complement: TTN is on the minus strand). VCF-style: chr2-178720130-C-T. GRCh37 (hg19) VCF-style: chr2-179584857-C-T.
Other names: c.22561G>A, p.Glu7521Lys (NM_001256850.1); c.19780G>A, p.Glu6594Lys (NM_133378.4); c.13282+17952G>A (NM_003319.4); c.13858+17952G>A (NM_133437.4); c.13657+17952G>A (NM_133432.3); short protein forms E6594K, E7521K, E7838K.
Identifiers: ClinVar variation 3907598 (VCV003907598.2).